The following is an entry in ClinVar:

ClinVar aggregate classification (germline): Uncertain significance. Review status: criteria provided, multiple submitters, no conflicts (2 of 4 stars). 2 submissions from 2 submitters: Uncertain significance (2). Last evaluated 2025-10-05.

Conditions:
Inborn genetic diseases. Identifiers: MedGen C0950123, MeSH D030342.

Allele frequency attached by ClinVar (database versions not stated): ExAC 0.00002; gnomAD exomes 0.00002.
gnomAD v4.1: 29 of 1,613,914 alleles (0.0018%); highest among the groups gnomAD compares: Middle Eastern, 0.017%; no homozygotes.

Submissions (2):

Labcorp Genetics (formerly Invitae), Labcorp
Classification: Uncertain significance. Last evaluated: 2025-10-05. Review status: criteria provided, single submitter. Criteria: Invitae Variant Classification Sherloc (09022015). Collection method: clinical testing. Allele origin: germline.
Comment: This sequence change replaces arginine, which is basic and polar, with tryptophan, which is neutral and slightly polar, at codon 654 of the COL27A1 protein (p.Arg654Trp). This variant is present in population databases (rs760156443, gnomAD 0.009%). This variant has not been reported in the literature in individuals affected with COL27A1-related conditions. ClinVar contains an entry for this variant (Variation ID: 2171771). Experimental studies and prediction algorithms are not available or were not evaluated, and the functional significance of this variant is currently unknown. In summary, the available evidence is currently insufficient to determine the role of this variant in disease. Therefore, it has been classified as a Variant of Uncertain Significance.

Ambry Genetics
Classification: Uncertain significance for Inborn genetic diseases. Last evaluated: 2025-04-03. Review status: criteria provided, single submitter. Criteria: Ambry Variant Classification Scheme 2023. Collection method: clinical testing. Allele origin: germline.

NM_032888.4(COL27A1):c.1960C>T (p.Arg654Trp)

Gene: COL27A1 (collagen type XXVII alpha 1 chain; plus strand). Cytogenetic location: 9q32.
Variant type: single nucleotide variant.
Coding change: c.1960C>T on transcript NM_032888.4 (MANE Select); coding-DNA position 1960, C replaced by T.
Protein change: p.Arg654Trp; replaces arginine 654 with tryptophan.
Molecular consequence: missense variant.
Genome position (GRCh38, 1-based): chr9:114,178,342, C>T. VCF-style: chr9-114178342-C-T. GRCh37 (hg19) VCF-style: chr9-116940622-C-T.
Other names: c.1960C>T (NM_032888.2); short protein forms R654W.
Identifiers: ClinVar variation 2171771 (VCV002171771.3), dbSNP rs760156443, ClinGen allele CA5201542.